The following is an entry in ClinVar:

NM_002677.5(PMP2):c.122T>G (p.Val41Gly)

Gene: PMP2 (peripheral myelin protein 2; minus strand). Cytogenetic location: 8q21.13.
Variant type: single nucleotide variant.
Coding change: c.122T>G on transcript NM_002677.5 (MANE Select); coding-DNA position 122, T replaced by G.
Protein change: p.Val41Gly; replaces valine 41 with glycine.
Molecular consequence: missense variant. On other transcripts: intron variant (1).
Genome position (GRCh38, 1-based): chr8:81,444,941, A>C on the plus strand (T>G on the coding strand, the complement: PMP2 is on the minus strand). VCF-style: chr8-81444941-A-C. GRCh37 (hg19) VCF-style: chr8-82357176-A-C.
Other names: c.74-340T>G (NM_001348381.2); short protein forms V41G.
Identifiers: ClinVar variation 4880477 (VCV004880477.1).

ClinVar aggregate classification (germline): Likely pathogenic (1 of 4 stars; one submission).

Conditions:
Charcot-Marie-Tooth disease, demyelinating, type 1G (CMT1G). Identifiers: Orphanet 476394, MedGen C4748940, MONDO:0033135, OMIM 618279.

Submission:

Concord Molecular Medicine Laboratory, Concord Repatriation General Hospital
Classification: Likely pathogenic for Charcot-Marie-Tooth disease, demyelinating, type 1G. Last evaluated: 2026-07-22. Review status: criteria provided, single submitter. Criteria: ACMG Guidelines, 2015. Collection method: clinical testing. Allele origin: de novo. Affected: yes. Observed: 1 variant allele, 1 heterozygote.
Comment: Segregation in the parents confirmed this variant to occur de novo. This variant is absent in control population database (gnomAD v4.1.1). In silico analysis was uninformative (REVEL 0.35). The variant is located within the lipocalin/cytosolic fatty-acid binding domain. A different missense variant, p.(Val41Ala) was also reported in an affected individual.